The following is an entry in ClinVar:

ClinVar aggregate classification (germline): Uncertain significance. Review status: criteria provided, multiple submitters, no conflicts (2 of 4 stars). 2 submissions from 2 submitters: Uncertain significance (2). Last evaluated 2024-05-17.

Conditions:
Inborn genetic diseases. Identifiers: MedGen C0950123, MeSH D030342.

Allele frequency attached by ClinVar (database versions not stated): TOPMed below 0.00001.
gnomAD v4.1: 2 of 1,614,172 alleles (0.00012%); highest among the groups gnomAD compares: South Asian, 0.0011%; no homozygotes.

Submissions (2):

Labcorp Genetics (formerly Invitae), Labcorp
Classification: Uncertain significance. Last evaluated: 2024-05-17. Review status: criteria provided, single submitter. Criteria: Invitae Variant Classification Sherloc (09022015). Collection method: clinical testing. Allele origin: germline.
Comment: This sequence change replaces methionine, which is neutral and non-polar, with valine, which is neutral and non-polar, at codon 3349 of the KMT2A protein (p.Met3349Val). This variant is not present in population databases (gnomAD no frequency). This variant has not been reported in the literature in individuals affected with KMT2A-related conditions. ClinVar contains an entry for this variant (Variation ID: 1442370). Advanced modeling of protein sequence and biophysical properties (such as structural, functional, and spatial information, amino acid conservation, physicochemical variation, residue mobility, and thermodynamic stability) performed at Invitae indicates that this missense variant is not expected to disrupt KMT2A protein function with a negative predictive value of 95%. In summary, the available evidence is currently insufficient to determine the role of this variant in disease. Therefore, it has been classified as a Variant of Uncertain Significance.

Ambry Genetics
Classification: Uncertain significance for Inborn genetic diseases. Last evaluated: 2021-06-22. Review status: criteria provided, single submitter. Criteria: Ambry Variant Classification Scheme 2023. Collection method: clinical testing. Allele origin: germline.

NM_001197104.2(KMT2A):c.10045A>G (p.Met3349Val)

Gene: KMT2A (lysine methyltransferase 2A; plus strand). Cytogenetic location: 11q23.3.
Variant type: single nucleotide variant.
Coding change: c.10045A>G on transcript NM_001197104.2 (MANE Select); coding-DNA position 10045, A replaced by G.
Protein change: p.Met3349Val; replaces methionine 3349 with valine.
Molecular consequence: missense variant.
Genome position (GRCh38, 1-based): chr11:118,505,937, A>G. VCF-style: chr11-118505937-A-G. GRCh37 (hg19) VCF-style: chr11-118376652-A-G.
Other names: c.10045A>G (NM_001197104.1); c.10036A>G, p.Met3346Val (NM_005933.4); short protein forms M3346V, M3349V.
Identifiers: ClinVar variation 1442370 (VCV001442370.7), dbSNP rs1950574083, ClinGen allele CA382822533.
Genomic context (GRCh38, chr11:118,505,937, plus strand): 5'-CTCACATCAGGGTCTGTGTCTGGCTTGGCATCCAGTTCCTCTGTCTTGAATGTTGTATCC[A>G]TGCAAACTACCACAACCCCTACAAGTAGTGCGTCAGTTCCAGGACACGTCACCTTAACCA-3'
Protein context (NP_001184033.1, residues 3339-3359): SSSSVLNVVS[Met3349Val]QTTTTPTSSA